The following is an entry in ClinVar:

ClinVar aggregate classification (germline): Uncertain significance (1 of 4 stars; one submission).

Submission:

Ambry Genetics
Classification: Uncertain significance. Last evaluated: 2026-02-16. Review status: criteria provided, single submitter. Criteria: Ambry Variant Classification Scheme 2023. Collection method: clinical testing. Allele origin: germline.
Comment: The c.2393G>C (p.G798A) alteration is located in exon 22 (coding exon 22) of the PNPLA7 gene. This alteration results from a G to C substitution at nucleotide position 2393, causing the glycine (G) at amino acid position 798 to be replaced by an alanine (A). Based on data from gnomAD, the C allele has an overall frequency of <0.001% (0/156366) total alleles studied. The highest observed frequency was <0.001% (/) of alleles. Based on insufficient or conflicting evidence, the clinical significance of this alteration remains unclear.

NM_001098537.3(PNPLA7):c.2393G>C (p.Gly798Ala)

Gene: PNPLA7 (patatin like domain 7, lysophospholipase; minus strand). Cytogenetic location: 9q34.3.
Variant type: single nucleotide variant.
Coding change: c.2393G>C on transcript NM_001098537.3 (MANE Select); coding-DNA position 2393, G replaced by C.
Protein change: p.Gly798Ala; replaces glycine 798 with alanine.
Molecular consequence: missense variant.
Genome position (GRCh38, 1-based): chr9:137,480,978, C>G on the plus strand (G>C on the coding strand, the complement: PNPLA7 is on the minus strand). VCF-style: chr9-137480978-C-G. GRCh37 (hg19) VCF-style: chr9-140375430-C-G.
Other names: c.2318G>C, p.Gly773Ala (NM_152286.5); short protein forms G773A, G798A.
Identifiers: ClinVar variation 4839905 (VCV004839905.1).